The following is an entry in ClinVar:

ClinVar aggregate classification (germline): Benign. Review status: criteria provided, multiple submitters, no conflicts (2 of 4 stars). 8 submissions from 3 submitters: Benign (8). Last evaluated 2021-05-13.

Conditions:
Anophthalmia-microphthalmia syndrome. Also called: Anophthalmia/Microphthalmia; Anophthalmia - microphthalmia. Identifiers: Orphanet 98555, MedGen C5680330, MONDO:0020147.
carboxymethyl-dextran-A2-gadolinium-DOTA.
11p partial monosomy syndrome (WAGR). Also called: WAGR Spectrum Disorder; WAGR syndrome; WAGR Complex; CHROMOSOME 11p13 DELETION SYNDROME. Identifiers: Orphanet 893, MedGen C0206115, MONDO:0008681, OMIM 194072.
Autosomal dominant keratitis. Also called: Keratitis, hereditary. Identifiers: Orphanet 2334, MedGen C1835698, MONDO:0007848, OMIM 148190.
Aniridia 1 (AN1). Identifiers: Orphanet 250923, MedGen C0344542, MONDO:0024507, OMIM 106210.
Foveal hypoplasia 1. Also called: FOVEAL HYPOPLASIA 1 WITH OR WITHOUT ANTERIOR SEGMENT ANOMALIES AND/OR CATARACT; FOVEAL HYPOPLASIA 1 WITH ANTERIOR SEGMENT ANOMALIES. Identifiers: Orphanet 2253, MedGen C3805604, MONDO:0007628, OMIM 136520.

Allele frequency attached by ClinVar (database versions not stated): TOPMed 0.70368; gnomAD 0.71948 and 0.72043; 1000 Genomes Project 0.66094; gnomAD exomes 0.72812; 1000 Genomes Project 30x 0.65865.
gnomAD v4.1: 149,346 of 206,598 alleles (72%); highest among the groups gnomAD compares: Non-Finnish European, 80%; 55,191 homozygotes.

Submissions (8):

GeneDx
Classification: Benign. Last evaluated: 2021-05-13. Review status: criteria provided, single submitter. Criteria: GeneDx Variant Classification Process June 2021. Collection method: clinical testing. Allele origin: germline. Affected: yes.

Illumina Laboratory Services, Illumina
Classification: Benign for Aniridia 1. Last evaluated: 2018-01-13. Review status: criteria provided, single submitter. Criteria: ICSL Variant Classification Criteria 13 December 2019. Collection method: clinical testing. Allele origin: germline.
Comment: This variant was observed in the ICSL laboratory as part of a predisposition screen in an ostensibly healthy population. It had not been previously curated by ICSL or reported in the Human Gene Mutation Database (HGMD: prior to June 1st, 2018), and was therefore a candidate for classification through an automated scoring system. Utilizing variant allele frequency, disease prevalence and penetrance estimates, and inheritance mode, an automated score was calculated to assess if this variant is too frequent to cause the disease. Based on the score and internal cut-off values, a variant classified as benign is not then subjected to further curation. The score for this variant resulted in a classification of benign for this disease.

Illumina Laboratory Services, Illumina
Classification: Benign for Wilms tumor, aniridia, genitourinary anomalies, and mental retardation syndrome. Last evaluated: 2018-01-13. Review status: criteria provided, single submitter. Criteria: ICSL Variant Classification Criteria 13 December 2019. Collection method: clinical testing. Allele origin: germline.
Comment: the same text as in the submission from Illumina Laboratory Services, Illumina above.

Illumina Laboratory Services, Illumina
Classification: Benign for Anophthalmia-microphthalmia syndrome. Last evaluated: 2018-01-13. Review status: criteria provided, single submitter. Criteria: ICSL Variant Classification Criteria 13 December 2019. Collection method: clinical testing. Allele origin: germline.
Comment: the same text as in the submission from Illumina Laboratory Services, Illumina above.

Illumina Laboratory Services, Illumina
Classification: Benign for carboxymethyl-dextran-A2-gadolinium-DOTA. Last evaluated: 2018-01-13. Review status: criteria provided, single submitter. Criteria: ICSL Variant Classification Criteria 13 December 2019. Collection method: clinical testing. Allele origin: germline.
Comment: the same text as in the submission from Illumina Laboratory Services, Illumina above.

Illumina Laboratory Services, Illumina
Classification: Benign for Autosomal dominant keratitis. Last evaluated: 2018-01-13. Review status: criteria provided, single submitter. Criteria: ICSL Variant Classification Criteria 13 December 2019. Collection method: clinical testing. Allele origin: germline.
Comment: the same text as in the submission from Illumina Laboratory Services, Illumina above.

Illumina Laboratory Services, Illumina
Classification: Benign for Foveal hypoplasia 1. Last evaluated: 2018-01-13. Review status: criteria provided, single submitter. Criteria: ICSL Variant Classification Criteria 13 December 2019. Collection method: clinical testing. Allele origin: germline.
Comment: the same text as in the submission from Illumina Laboratory Services, Illumina above.

Breakthrough Genomics
Classification: Benign. Review status: criteria provided, single submitter. Criteria: ACMG Guidelines, 2015. Collection method: not provided. Allele origin: germline. Inheritance: Autosomal dominant inheritance. Affected: yes.

NM_000280.4(PAX6):c.*1184A>T

Genes: ELP4 (elongator acetyltransferase complex subunit 4; plus strand), PAX6 (paired box 6; minus strand). Cytogenetic location: 11p13.
Variant type: single nucleotide variant.
Coding change: c.*1184A>T on transcript NM_000280.4; 1184 bases downstream of the stop codon, A replaced by T.
Molecular consequence: 3 prime UTR variant (on NM_019040.5).
Genome position (GRCh38, 1-based): chr11:31,788,750, T>A on the plus strand (A>T on the coding strand, the complement: PAX6 is on the minus strand). VCF-style: chr11-31788750-T-A. GRCh37 (hg19) VCF-style: chr11-31810298-T-A.
Other names: c.*5212T>A (NM_001288725.2); c.*5321T>A (NM_001288726.2); c.*5226T>A (NM_019040.5); c.*1184A>T (NM_000280.3).
Identifiers: ClinVar variation 304341 (VCV000304341.11), dbSNP rs1506, ClinGen allele CA10630739.